The following is an entry in ClinVar:

NM_001235.5(SERPINH1):c.319G>A (p.Val107Met)

Gene: SERPINH1 (serpin family H member 1; plus strand). Cytogenetic location: 11q13.5.
Variant type: single nucleotide variant.
Coding change: c.319G>A on transcript NM_001235.5 (MANE Select); coding-DNA position 319, G replaced by A.
Protein change: p.Val107Met; replaces valine 107 with methionine.
Molecular consequence: missense variant.
Genome position (GRCh38, 1-based): chr11:75,566,668, G>A. VCF-style: chr11-75566668-G-A. GRCh37 (hg19) VCF-style: chr11-75277713-G-A.
Other names: c.319G>A, p.Val107Met (NM_001207014.3); short protein forms V107M.
Identifiers: ClinVar variation 3317642 (VCV003317642.2).
Genomic context (GRCh38, chr11:75,566,668, plus strand): 5'-GCGACCACGGCGTCGCAGGCCAAGGCAGTGCTGAGCGCCGAGCAGCTGCGCGACGAGGAG[G>A]TGCACGCCGGCCTGGGCGAGCTGCTGCGCTCACTCAGCAACTCCACGGCGCGCAACGTGA-3'
Protein context (NP_001226.2, residues 97-117): LSAEQLRDEE[Val107Met]HAGLGELLRS

ClinVar aggregate classification (germline): Uncertain significance. Review status: criteria provided, multiple submitters, no conflicts (2 of 4 stars). 2 submissions from 2 submitters: Uncertain significance (2). Last evaluated 2024-06-27.

Conditions:
Inborn genetic diseases. Identifiers: MedGen C0950123, MeSH D030342.

gnomAD v4.1: 42 of 1,608,394 alleles (0.0026%); highest among the groups gnomAD compares: South Asian, 0.042%; 1 homozygote.

Submissions (2):

GeneDx
Classification: Uncertain significance. Last evaluated: 2024-06-27. Review status: criteria provided, single submitter. Criteria: GeneDx Variant Classification Process June 2021. Collection method: clinical testing. Allele origin: germline. Affected: yes.
Comment: In silico analysis indicates that this missense variant does not alter protein structure/function; Has not been previously published as pathogenic or benign to our knowledge

Ambry Genetics
Classification: Uncertain significance for Inborn genetic diseases. Last evaluated: 2024-04-19. Review status: criteria provided, single submitter. Criteria: Ambry Variant Classification Scheme 2023. Collection method: clinical testing. Allele origin: germline.